The following is an entry in ClinVar:

ClinVar aggregate classification (germline): Uncertain significance (1 of 4 stars; one submission).

Conditions:
Metachromatic leukodystrophy (MLD). Also called: METACHROMATIC LEUKOENCEPHALOPATHY; ARSA DEFICIENCY; CEREBROSIDE SULFATASE DEFICIENCY; Arylsulfatase A Deficiency; SULFATIDE LIPIDOSIS; Cerebral sclerosis diffuse metachromatic form. Identifiers: Orphanet 512, MedGen C0023522, MONDO:0018868, OMIM 250100.

Submission:

Labcorp Genetics (formerly Invitae), Labcorp
Classification: Uncertain significance for Metachromatic leukodystrophy. Last evaluated: 2023-08-04. Review status: criteria provided, single submitter. Criteria: Invitae Variant Classification Sherloc (09022015). Collection method: clinical testing. Allele origin: germline.
Comment: Advanced modeling of protein sequence and biophysical properties (such as structural, functional, and spatial information, amino acid conservation, physicochemical variation, residue mobility, and thermodynamic stability) performed at Invitae indicates that this missense variant is expected to disrupt ARSA protein function. In summary, the available evidence is currently insufficient to determine the role of this variant in disease. Therefore, it has been classified as a Variant of Uncertain Significance. ClinVar contains an entry for this variant (Variation ID: 2109573). This variant has not been reported in the literature in individuals affected with ARSA-related conditions. This variant is not present in population databases (gnomAD no frequency). This sequence change replaces leucine, which is neutral and non-polar, with proline, which is neutral and non-polar, at codon 59 of the ARSA protein (p.Leu59Pro).

NM_000487.6(ARSA):c.176T>C (p.Leu59Pro)

Gene: ARSA (arylsulfatase A; minus strand). Cytogenetic location: 22q13.33.
Variant type: single nucleotide variant.
Coding change: c.176T>C on transcript NM_000487.6 (MANE Select); coding-DNA position 176, T replaced by C.
Protein change: p.Leu59Pro; replaces leucine 59 with proline.
Molecular consequence: missense variant. On other transcripts: intron variant (2).
Genome position (GRCh38, 1-based): chr22:50,627,604, A>G on the plus strand (T>C on the coding strand, the complement: ARSA is on the minus strand). VCF-style: chr22-50627604-A-G. GRCh37 (hg19) VCF-style: chr22-51066032-A-G.
Other names: c.176T>C, p.Leu59Pro (NM_001085425.3, NM_001085426.3, NM_001085427.3); c.-34-198T>C (NM_001362782.2, NM_001085428.3); short protein forms L59P.
Identifiers: ClinVar variation 2109573 (VCV002109573.4), dbSNP rs2518336438, ClinGen allele CA412182428.